The following is an entry in ClinVar:

NM_001355436.2(SPTB):c.2946C>T (p.Asp982=)

Gene: SPTB (spectrin beta, erythrocytic; minus strand). Cytogenetic location: 14q23.3.
Variant type: single nucleotide variant.
Coding change: c.2946C>T on transcript NM_001355436.2 (MANE Select); coding-DNA position 2946, C replaced by T.
Protein change: p.Asp982=; no amino-acid change (aspartic acid 982 retained).
Molecular consequence: synonymous variant.
Genome position (GRCh38, 1-based): chr14:64,787,019, G>A on the plus strand (C>T on the coding strand, the complement: SPTB is on the minus strand). VCF-style: chr14-64787019-G-A. GRCh37 (hg19) VCF-style: chr14-65253737-G-A.
Other names: p.Asp982=; c.2946C>T, p.Asp982= (NM_001024858.4, NM_001355437.2).
Identifiers: ClinVar variation 3052635 (VCV003052635.3), dbSNP rs147918278, ClinGen allele CA7230731.
Genomic context (GRCh38, chr14:64,787,019, plus strand): 5'-ACGCTCCAGCCCTGACAACTTCCTCTGGATGGCGATGATACCTGCCAGGTCCCGCCCCAG[G>A]TCTTTTGTGGACTCCACTACCTTTGTCTTGTCCGTGATCCACTTGCTGGTCTCCTCGCAA-3'
Protein context (NP_001342365.1, residues 972-992): DKTKVVESTK[Asp982=]LGRDLAGIIA

ClinVar aggregate classification (germline): Likely benign. Review status: criteria provided, single submitter (1 of 4 stars). 2 submissions from 2 submitters: Likely benign (1). 1 of the submissions does not count toward it. Last evaluated 2025-08-12.

Conditions:
SPTB-related disorder. Also called: SPTB-related condition; SPTB-Related Disorders.

Allele frequency attached by ClinVar (database versions not stated): gnomAD exomes 0.00001; ExAC 0.00010; gnomAD 0.00015; TOPMed 0.00017; ESP Exome Variant Server 0.00023.
gnomAD v4.1: 39 of 1,614,130 alleles (0.0024%); highest among the groups gnomAD compares: African/African-American, 0.049%; no homozygotes.

Submissions (2):

Mayo Clinic Laboratories, Mayo Clinic
Classification: Likely benign. Last evaluated: 2025-08-12. Review status: criteria provided, single submitter. Criteria: ACMG Guidelines, 2015. Collection method: clinical testing. Allele origin: germline. Observed: 1 variant allele.
Comment: BP4, BP7

PreventionGenetics, part of Exact Sciences
Classification: Likely benign for SPTB-related condition. Last evaluated: 2019-08-26. Review status: no assertion criteria provided. Collection method: clinical testing. Allele origin: germline. Not counted in ClinVar's aggregate classification.
Comment: This variant is classified as likely benign based on ACMG/AMP sequence variant interpretation guidelines (Richards et al. 2015 PMID: 25741868, with internal and published modifications).